The following is an entry in ClinVar:

NM_025179.4(PLXNA2):c.899G>A (p.Cys300Tyr)

Gene: PLXNA2 (plexin A2; minus strand). Cytogenetic location: 1q32.2.
Variant type: single nucleotide variant.
Coding change: c.899G>A on transcript NM_025179.4 (MANE Select); coding-DNA position 899, G replaced by A.
Protein change: p.Cys300Tyr; replaces cysteine 300 with tyrosine.
Molecular consequence: missense variant.
Genome position (GRCh38, 1-based): chr1:208,217,024, C>T on the plus strand (G>A on the coding strand, the complement: PLXNA2 is on the minus strand). VCF-style: chr1-208217024-C-T. GRCh37 (hg19) VCF-style: chr1-208390369-C-T.
Other names: short protein forms C300Y.
Identifiers: ClinVar variation 3345415 (VCV003345415.1).
Genomic context (GRCh38, chr1:208,217,024, plus strand): 5'-TCCCCAGGCTTGGCCAGGTAAGCAGCCTGCAGGAGGCGGTATTCCACCCCGGCCCGGGTG[C>T]AGCCGAAGGGCAGGGACACGTATGAGTGGAACTTGGGGTCATCCTTGCAGAGCCGCACGA-3'
Protein context (NP_079455.3, residues 290-310): FHSYVSLPFG[Cys300Tyr]TRAGVEYRLL

ClinVar aggregate classification (germline): Uncertain significance (0 of 4 stars; one submission).

Conditions:
PLXNA2-related disorder. Also called: PLXNA2-related condition.

Submission:

PreventionGenetics, part of Exact Sciences
Classification: Uncertain significance for PLXNA2-related condition. Last evaluated: 2024-08-22. Review status: no assertion criteria provided. Collection method: clinical testing. Allele origin: germline.
Comment: The PLXNA2 c.899G>A variant is predicted to result in the amino acid substitution p.Cys300Tyr. To our knowledge, this variant has not been reported in the literature or in a large population database, indicating this variant is rare. At this time, the clinical significance of this variant is uncertain due to the absence of conclusive functional and genetic evidence.